The following is an entry in ClinVar:

NM_000238.4(KCNH2):c.1099A>G (p.Thr367Ala)

Gene: KCNH2 (potassium voltage-gated channel subfamily H member 2; minus strand). Cytogenetic location: 7q36.1.
Variant type: single nucleotide variant.
Coding change: c.1099A>G on transcript NM_000238.4 (MANE Select); coding-DNA position 1099, A replaced by G.
Protein change: p.Thr367Ala; replaces threonine 367 with alanine.
Molecular consequence: missense variant.
Genome position (GRCh38, 1-based): chr7:150,957,320, T>C on the plus strand (A>G on the coding strand, the complement: KCNH2 is on the minus strand). VCF-style: chr7-150957320-T-C. GRCh37 (hg19) VCF-style: chr7-150654408-T-C.
Other names: c.811A>G, p.Thr271Ala (NM_001406753.1, NM_001406756.1); c.922A>G, p.Thr308Ala (NM_001406755.1); c.799A>G, p.Thr267Ala (NM_001406757.1); c.1099A>G, p.Thr367Ala (NM_172056.3); short protein forms T367A, T267A, T308A, T271A.
Identifiers: ClinVar variation 1047434 (VCV001047434.9), dbSNP rs199472890, ClinGen allele CA369861470.

ClinVar aggregate classification (germline): Uncertain significance (1 of 4 stars; one submission).

Conditions:
Long QT syndrome (LQTS). Identifiers: MedGen C0023976, MeSH D008133, MONDO:0002442. Disease mechanism: loss of function. Inheritance: Various modes of inheritance.

Submission:

Labcorp Genetics (formerly Invitae), Labcorp
Classification: Uncertain significance for Long QT syndrome. Last evaluated: 2020-10-09. Review status: criteria provided, single submitter. Criteria: Invitae Variant Classification Sherloc (09022015). Collection method: clinical testing. Allele origin: germline.
Comment: This sequence change replaces threonine with alanine at codon 367 of the KCNH2 protein (p.Thr367Ala). The threonine residue is moderately conserved and there is a small physicochemical difference between threonine and alanine. This variant is not present in population databases (ExAC no frequency). This variant has not been reported in the literature in individuals with KCNH2-related conditions. Algorithms developed to predict the effect of missense changes on protein structure and function are either unavailable or do not agree on the potential impact of this missense change (SIFT: "Deleterious"; PolyPhen-2: "Benign"; Align-GVGD: "Class C0"). In summary, the available evidence is currently insufficient to determine the role of this variant in disease. Therefore, it has been classified as a Variant of Uncertain Significance.